The following is an entry in ClinVar:

NM_001080414.4(CCDC88C):c.2365C>T (p.Leu789=)

Gene: CCDC88C (coiled-coil and HOOK domain protein 88C; minus strand). Cytogenetic location: 14q32.11.
Variant type: single nucleotide variant.
Coding change: c.2365C>T on transcript NM_001080414.4 (MANE Select); coding-DNA position 2365, C replaced by T.
Protein change: p.Leu789=; no amino-acid change (leucine 789 retained).
Molecular consequence: synonymous variant.
Genome position (GRCh38, 1-based): chr14:91,313,451, G>A on the plus strand (C>T on the coding strand, the complement: CCDC88C is on the minus strand). VCF-style: chr14-91313451-G-A. GRCh37 (hg19) VCF-style: chr14-91779795-G-A.
Other names: c.2365C>T (NM_001080414.3).
Identifiers: ClinVar variation 2197458 (VCV002197458.6), dbSNP rs200079946, ClinGen allele CA7309682.

ClinVar aggregate classification (germline): Conflicting classifications of pathogenicity. Review status: criteria provided, conflicting classifications (1 of 4 stars). 3 submissions from 3 submitters: Uncertain significance (1); Likely benign (2). Last evaluated 2026-01-14.

Conditions:
CCDC88C-related disorder. Also called: CCDC88C-Related Disorders; CCDC88C-related condition.

Allele frequency attached by ClinVar (database versions not stated): 1000 Genomes Project 30x 0.00016; 1000 Genomes Project 0.00020.
gnomAD v4.1: 38 of 1,607,492 alleles (0.0024%); highest among the groups gnomAD compares: Admixed American, 0.063%; no homozygotes.

Submissions (3):

Labcorp Genetics (formerly Invitae), Labcorp
Classification: Likely benign. Last evaluated: 2026-01-14. Review status: criteria provided, single submitter. Criteria: Invitae Variant Classification Sherloc (09022015). Collection method: clinical testing. Allele origin: germline.

Women's Health and Genetics/Laboratory Corporation of America, LabCorp
Classification: Likely benign. Last evaluated: 2024-04-03. Review status: criteria provided, single submitter. Criteria: LabCorp Variant Classification Summary - May 2015. Collection method: clinical testing. Allele origin: germline.

PreventionGenetics, part of Exact Sciences
Classification: Uncertain significance for CCDC88C-related condition. Last evaluated: 2022-11-01. Review status: criteria provided, single submitter. Criteria: ACMG Guidelines, 2015. Collection method: clinical testing. Allele origin: germline.
Comment: The CCDC88C c.2365C>T variant is not predicted to result in an amino acid change (p.=). To our knowledge, this variant has not been reported in the literature. This variant is reported in 0.096% of alleles in individuals of Latino descent in gnomAD. Although we suspect that this variant may be benign, at this time, the clinical significance of this variant is uncertain due to the absence of conclusive functional and genetic evidence.